The following is an entry in ClinVar:

NM_003361.4(UMOD):c.685A>T (p.Met229Leu)

Gene: UMOD (uromodulin; minus strand). Cytogenetic location: 16p12.3.
Variant type: single nucleotide variant.
Coding change: c.685A>T on transcript NM_003361.4 (MANE Select); coding-DNA position 685, A replaced by T.
Protein change: p.Met229Leu; replaces methionine 229 with leucine.
Molecular consequence: missense variant. On other transcripts: non-coding transcript variant (1).
Genome position (GRCh38, 1-based): chr16:20,348,616, T>A on the plus strand (A>T on the coding strand, the complement: UMOD is on the minus strand). VCF-style: chr16-20348616-T-A. GRCh37 (hg19) VCF-style: chr16-20359938-T-A.
Other names: c.685A>T, p.Met229Leu (NM_001008389.3, NM_001378232.1, NM_001378233.1 and 3 more transcripts); c.784A>T, p.Met262Leu (NM_001278614.2); c.685A>T (NM_003361.2); short protein forms M229L, M262L.
Identifiers: ClinVar variation 1405837 (VCV001405837.9), dbSNP rs756226236, ClinGen allele CA7939420.

ClinVar aggregate classification (germline): Uncertain significance. Review status: criteria provided, multiple submitters, no conflicts (2 of 4 stars). 4 submissions from 4 submitters: Uncertain significance (4). Last evaluated 2024-07-24.

Conditions:
Inborn genetic diseases. Identifiers: MedGen C0950123, MeSH D030342.
Familial juvenile hyperuricemic nephropathy type 1 (ADTKD1). Also called: Glomerulocystic kidney disease with hyperuricemia and isosthenuria; Medullary cystic kidney disease 2; Autosomal Dominant Tubulointerstitial Kidney Disease – UMOD; UMOD-Associated Kidney Disease; Uromodulin-associated kidney disease. Identifiers: Orphanet 209886, Orphanet 34149, Orphanet 88950, MedGen C4551496, MONDO:0008073, OMIM 162000.

Allele frequency attached by ClinVar (database versions not stated): gnomAD 0.00003 and 0.00004; TOPMed 0.00003; gnomAD exomes 0.00005 and 0.00009; ExAC 0.00011.
gnomAD v4.1: 79 of 1,585,520 alleles (0.005%); highest among the groups gnomAD compares: Middle Eastern, 0.1%; no homozygotes.

Submissions (4):

GeneDx
Classification: Uncertain significance. Last evaluated: 2024-07-24. Review status: criteria provided, single submitter. Criteria: GeneDx Variant Classification Process June 2021. Collection method: clinical testing. Allele origin: germline. Affected: yes.
Comment: In silico analysis indicates that this missense variant does not alter protein structure/function; Has not been previously published as pathogenic or benign to our knowledge; This variant is associated with the following publications: (PMID: 16883323)

Labcorp Genetics (formerly Invitae), Labcorp
Classification: Uncertain significance. Last evaluated: 2023-06-20. Review status: criteria provided, single submitter. Criteria: Invitae Variant Classification Sherloc (09022015). Collection method: clinical testing. Allele origin: germline.
Comment: In summary, the available evidence is currently insufficient to determine the role of this variant in disease. Therefore, it has been classified as a Variant of Uncertain Significance. This variant disrupts the p.Met229 amino acid residue in UMOD. Other variant(s) that disrupt this residue have been determined to be pathogenic (PMID: 16883323). This suggests that this residue is clinically significant, and that variants that disrupt this residue are likely to be disease-causing. Advanced modeling of protein sequence and biophysical properties (such as structural, functional, and spatial information, amino acid conservation, physicochemical variation, residue mobility, and thermodynamic stability) performed at Invitae indicates that this missense variant is not expected to disrupt UMOD protein function. ClinVar contains an entry for this variant (Variation ID: 1405837). This variant has not been reported in the literature in individuals affected with UMOD-related conditions. This variant is present in population databases (rs756226236, gnomAD 0.02%). This sequence change replaces methionine, which is neutral and non-polar, with leucine, which is neutral and non-polar, at codon 229 of the UMOD protein (p.Met229Leu).

Fulgent Genetics
Classification: Uncertain significance for Familial juvenile hyperuricemic nephropathy type 1. Last evaluated: 2021-07-02. Review status: criteria provided, single submitter. Criteria: ACMG Guidelines, 2015. Collection method: clinical testing. Allele origin: unknown.

Ambry Genetics
Classification: Uncertain significance for Inborn genetic diseases. Last evaluated: 2021-01-15. Review status: criteria provided, single submitter. Criteria: Ambry Variant Classification Scheme 2023. Collection method: clinical testing. Allele origin: germline.
Comment: The c.685A>T (p.M229L) alteration is located in exon 3 (coding exon 2) of the UMOD gene. This alteration results from a A to T substitution at nucleotide position 685, causing the methionine (M) at amino acid position 229 to be replaced by a leucine (L). The p.M229L alteration is predicted to be tolerated by in silico analysis. Based on insufficient or conflicting evidence, the clinical significance of this alteration remains unclear.

Literature cited by the submitters: PubMed 16883323 (cited by Labcorp Genetics (formerly Invitae), Labcorp).